The following is an entry in ClinVar:

ClinVar aggregate classification (germline): Benign/Likely benign. Review status: criteria provided, multiple submitters, no conflicts (2 of 4 stars). 2 submissions from 2 submitters: Benign (1); Likely benign (1). Last evaluated 2025-09-13.

Conditions:
Familial cancer of breast. Also called: Hereditary breast cancer; hereditary breast carcinoma; BREAST CANCER, FAMILIAL. Identifiers: Orphanet 227535, MedGen C0346153, MONDO:0016419, OMIM 114480. Disease mechanism: loss of function.

Allele frequency attached by ClinVar (database versions not stated): gnomAD exomes below 0.00001; TOPMed below 0.00001; ExAC 0.00001.
gnomAD v4.1: 3 of 1,614,180 alleles (0.00019%); highest among the groups gnomAD compares: Non-Finnish European, 0.00025%; no homozygotes.

Submissions (2):

Labcorp Genetics (formerly Invitae), Labcorp
Classification: Likely benign for Familial cancer of breast. Last evaluated: 2025-09-13. Review status: criteria provided, single submitter. Criteria: Invitae Variant Classification Sherloc (09022015). Collection method: clinical testing. Allele origin: germline.

Myriad Genetics, Inc.
Classification: Benign for Familial cancer of breast. Last evaluated: 2025-01-14. Review status: criteria provided, single submitter. Criteria: Myriad Autosomal Dominant, Autosomal Recessive and X-Linked Classification Criteria (2023). Collection method: clinical testing. Allele origin: unknown.
Comment: This variant is considered benign. This variant is a silent/synonymous amino acid change and it is not expected to impact splicing.

NM_024675.4(PALB2):c.1617T>C (p.Val539=)

Gene: PALB2 (partner and localizer of BRCA2; minus strand). Cytogenetic location: 16p12.2.
Variant type: single nucleotide variant.
Coding change: c.1617T>C on transcript NM_024675.4 (MANE Select); coding-DNA position 1617, T replaced by C.
Protein change: p.Val539=; no amino-acid change (valine 539 retained).
Molecular consequence: synonymous variant.
Genome position (GRCh38, 1-based): chr16:23,634,929, A>G on the plus strand (T>C on the coding strand, the complement: PALB2 is on the minus strand). VCF-style: chr16-23634929-A-G. GRCh37 (hg19) VCF-style: chr16-23646250-A-G.
Identifiers: ClinVar variation 1148941 (VCV001148941.11), dbSNP rs776807758, ClinGen allele CA7963692.